The following is an entry in ClinVar:

NM_021098.3(CACNA1H):c.3962G>C (p.Gly1321Ala)

Gene: CACNA1H (calcium voltage-gated channel subunit alpha1 H; plus strand). Cytogenetic location: 16p13.3.
Variant type: single nucleotide variant.
Coding change: c.3962G>C on transcript NM_021098.3 (MANE Select); coding-DNA position 3962, G replaced by C.
Protein change: p.Gly1321Ala; replaces glycine 1321 with alanine.
Molecular consequence: missense variant.
Genome position (GRCh38, 1-based): chr16:1,210,486, G>C. VCF-style: chr16-1210486-G-C. GRCh37 (hg19) VCF-style: chr16-1260486-G-C.
Other names: c.3962G>C, p.Gly1321Ala (NM_001005407.2); short protein forms G1321A.
Identifiers: ClinVar variation 978536 (VCV000978536.9), dbSNP rs1043239667, ClinGen allele CA276666915.

ClinVar aggregate classification (germline): Uncertain significance. Review status: criteria provided, multiple submitters, no conflicts (2 of 4 stars). 2 submissions from 2 submitters: Uncertain significance (2). Last evaluated 2024-05-13.

Conditions:
Idiopathic generalized epilepsy. Also called: Generalised epilepsy; EIG. Identifiers: MedGen C0270850, MONDO:0005579, OMIM 600669.
Hyperaldosteronism, familial, type IV (HALD4). Also called: FH IV; ALDOSTERONISM, PRIMARY, AND HYPERTENSION. Identifiers: Orphanet 642671, MedGen C4310756, MONDO:0014875, OMIM 617027.
Epilepsy, childhood absence, susceptibility to, 6. Identifiers: Orphanet 64280, MedGen C2749872, MONDO:0012763, OMIM 611942.

Allele frequency attached by ClinVar (database versions not stated): gnomAD 0.00001; TOPMed 0.00002.
gnomAD v4.1: 2 of 1,611,634 alleles (0.00012%); highest among the groups gnomAD compares: African/African-American, 0.0027%; no homozygotes.

Submissions (2):

Fulgent Genetics
Classification: Uncertain significance for Epilepsy, childhood absence, susceptibility to, 6; Hyperaldosteronism, familial, type IV. Last evaluated: 2024-05-13. Review status: criteria provided, single submitter. Criteria: ACMG Guidelines, 2015. Collection method: clinical testing. Allele origin: germline.

Labcorp Genetics (formerly Invitae), Labcorp
Classification: Uncertain significance for Idiopathic generalized epilepsy; Hyperaldosteronism, familial, type IV. Last evaluated: 2024-01-19. Review status: criteria provided, single submitter. Criteria: Invitae Variant Classification Sherloc (09022015). Collection method: clinical testing. Allele origin: germline.
Comment: This sequence change replaces glycine, which is neutral and non-polar, with alanine, which is neutral and non-polar, at codon 1321 of the CACNA1H protein (p.Gly1321Ala). This variant is not present in population databases (gnomAD no frequency). This variant has not been reported in the literature in individuals affected with CACNA1H-related conditions. ClinVar contains an entry for this variant (Variation ID: 978536). Advanced modeling of protein sequence and biophysical properties (such as structural, functional, and spatial information, amino acid conservation, physicochemical variation, residue mobility, and thermodynamic stability) performed at Invitae indicates that this missense variant is not expected to disrupt CACNA1H protein function with a negative predictive value of 80%. In summary, the available evidence is currently insufficient to determine the role of this variant in disease. Therefore, it has been classified as a Variant of Uncertain Significance.